The following is an entry in ClinVar:

NM_000441.2(SLC26A4):c.1590C>G (p.Tyr530Ter)

Gene: SLC26A4 (solute carrier family 26 member 4; plus strand). Cytogenetic location: 7q22.3.
Variant type: single nucleotide variant.
Coding change: c.1590C>G on transcript NM_000441.2 (MANE Select); coding-DNA position 1590, C replaced by G.
Protein change: p.Tyr530Ter; replaces tyrosine 530 with a stop codon.
Molecular consequence: nonsense.
Genome position (GRCh38, 1-based): chr7:107,698,087, C>G. VCF-style: chr7-107698087-C-G. GRCh37 (hg19) VCF-style: chr7-107338532-C-G.
Other names: short protein forms Y530*.
Identifiers: ClinVar variation 2136591 (VCV002136591.4), dbSNP rs771384229, ClinGen allele CA368841643.

ClinVar aggregate classification (germline): Pathogenic (1 of 4 stars; one submission).

Submission:

Labcorp Genetics (formerly Invitae), Labcorp
Classification: Pathogenic. Last evaluated: 2022-03-31. Review status: criteria provided, single submitter. Criteria: Invitae Variant Classification Sherloc (09022015). Collection method: clinical testing. Allele origin: germline.
Comment: This sequence change creates a premature translational stop signal (p.Tyr530*) in the SLC26A4 gene. It is expected to result in an absent or disrupted protein product. Loss-of-function variants in SLC26A4 are known to be pathogenic (PMID: 16283880, 25394566, 26252218, 26445815). This variant is not present in population databases (gnomAD no frequency). This premature translational stop signal has been observed in individual(s) with SLC26A4-related conditions (PMID: 23918157). For these reasons, this variant has been classified as Pathogenic.

Literature cited by the submitters: PubMed 16283880; PubMed 25394566; PubMed 26252218; PubMed 26445815; PubMed 23918157.